The following is an entry in ClinVar:

ClinVar aggregate classification (germline): Likely benign. Review status: criteria provided, single submitter (1 of 4 stars). 2 submissions from 2 submitters: Likely benign (1). 1 of the submissions does not count toward it. Last evaluated 2023-01-10.

Conditions:
FAT2-related disorder. Also called: FAT2-related condition.

Allele frequency attached by ClinVar (database versions not stated): gnomAD 0.00011; ESP Exome Variant Server 0.00015; ExAC 0.00016; TOPMed 0.00017; 1000 Genomes Project 0.00020; 1000 Genomes Project 30x 0.00031.
gnomAD v4.1: 249 of 1,614,148 alleles (0.015%); highest among the groups gnomAD compares: Middle Eastern, 0.099%; 1 homozygote.

Submissions (2):

Ambry Genetics
Classification: Likely benign. Last evaluated: 2023-01-10. Review status: criteria provided, single submitter. Criteria: Ambry Variant Classification Scheme 2023. Collection method: clinical testing. Allele origin: germline.

PreventionGenetics, part of Exact Sciences
Classification: Benign for FAT2-related condition. Last evaluated: 2020-01-09. Review status: no assertion criteria provided. Collection method: clinical testing. Allele origin: germline. Not counted in ClinVar's aggregate classification.
Comment: This variant is classified as benign based on ACMG/AMP sequence variant interpretation guidelines (Richards et al. 2015 PMID: 25741868, with internal and published modifications).

NM_001447.3(FAT2):c.8714G>A (p.Arg2905Gln)

Genes: FAT2 (FAT atypical cadherin 2; minus strand), SLC36A1 (solute carrier family 36 member 1; plus strand). Cytogenetic location: 5q33.1.
Variant type: single nucleotide variant.
Coding change: c.8714G>A on transcript NM_001447.3 (MANE Select); coding-DNA position 8714, G replaced by A.
Protein change: p.Arg2905Gln; replaces arginine 2905 with glutamine.
Molecular consequence: missense variant.
Genome position (GRCh38, 1-based): chr5:151,542,413, C>T on the plus strand (G>A on the coding strand, the complement: FAT2 is on the minus strand). VCF-style: chr5-151542413-C-T. GRCh37 (hg19) VCF-style: chr5-150921974-C-T.
Other names: short protein forms R2905Q.
Identifiers: ClinVar variation 3050903 (VCV003050903.3), dbSNP rs201081583, ClinGen allele CA3520767.